The following is an entry in ClinVar:

NM_000222.3(KIT):c.1952T>A (p.Met651Lys)

Gene: KIT (KIT proto-oncogene, receptor tyrosine kinase; plus strand). Cytogenetic location: 4q12.
Variant type: single nucleotide variant.
Coding change: c.1952T>A on transcript NM_000222.3 (MANE Select); coding-DNA position 1952, T replaced by A.
Protein change: p.Met651Lys; replaces methionine 651 with lysine.
Molecular consequence: missense variant.
Genome position (GRCh38, 1-based): chr4:54,728,083, T>A. VCF-style: chr4-54728083-T-A. GRCh37 (hg19) VCF-style: chr4-55594249-T-A.
Other names: c.1952T>A (NM_000222.2); c.1940T>A, p.Met647Lys (NM_001093772.2, NM_001385286.1); c.1955T>A, p.Met652Lys (NM_001385284.1, NM_001385290.1); c.1952T>A, p.Met651Lys (NM_001385285.1); c.1943T>A, p.Met648Lys (NM_001385288.1, NM_001385292.1); short protein forms M647K, M648K, M651K, M652K.
Identifiers: ClinVar variation 1016059 (VCV001016059.11), dbSNP rs1374100918, ClinGen allele CA356908724.

ClinVar aggregate classification (germline): Uncertain significance. Review status: criteria provided, multiple submitters, no conflicts (2 of 4 stars). 3 submissions from 3 submitters: Uncertain significance (3). Last evaluated 2024-03-27.

Conditions:
Germ cell tumor of testis (TGCT). Also called: GERM CELL TUMOR, SOMATIC; Testicular germ cell tumor. Identifiers: Orphanet 363504, MedGen C1336708, MONDO:0010108, OMIM 273300.
Gastrointestinal stromal tumor. Also called: Gastrointestinal stromal tumor, somatic; Gastrointestinal stroma tumor. Identifiers: Orphanet 44890, MedGen C0238198, MeSH D046152, MONDO:0011719, OMIM 606764, HP:0100723.
Acute myeloid leukemia (AML). Also called: Acute myeloid leukemia, adult; AML adult; Acute non-lymphocytic leukemia; Acute granulocytic leukemia; Leukemia, acute myelogenous, somatic; Leukemia, acute myeloid, somatic. Identifiers: Orphanet 519, MedGen C0023467, MeSH D015470, MONDO:0018874, OMIM 601626, HP:0004808. Disease mechanism: Constitutively activated FLT3.
Piebaldism. Also called: Piebald skin depigmentation. Identifiers: Orphanet 2884, MedGen C0080024, MONDO:0008244, OMIM 172800, HP:0007544.
Cutaneous mastocytosis. Also called: MASTOCYTOSIS, MACULOPAPULAR CUTANEOUS. Identifiers: Orphanet 66646, MedGen C1136033, MONDO:0019023, OMIM 154800, HP:0200151.
Hereditary cancer-predisposing syndrome. Also called: Neoplastic Syndromes, Hereditary; Hereditary neoplastic syndrome; Tumor predisposition; Hereditary Cancer Syndrome. Identifiers: Orphanet 140162, MedGen C0027672, MeSH D009386, MONDO:0015356.

Allele frequency attached by ClinVar (database versions not stated): TOPMed below 0.00001.

Submissions (3):

Ambry Genetics
Classification: Uncertain significance for Hereditary cancer-predisposing syndrome. Last evaluated: 2024-03-27. Review status: criteria provided, single submitter. Criteria: Ambry Variant Classification Scheme 2023. Collection method: clinical testing. Allele origin: germline.
Comment: The p.M651K variant (also known as c.1952T>A), located in coding exon 13 of the KIT gene, results from a T to A substitution at nucleotide position 1952. The methionine at codon 651 is replaced by lysine, an amino acid with similar properties. This amino acid position is conserved. In addition, this alteration is predicted to be tolerated by in silico analysis. Based on the available evidence, the clinical significance of this alteration remains unclear.

Fulgent Genetics
Classification: Uncertain significance for Cutaneous mastocytosis; Piebaldism; Germ cell tumor of testis; Acute myeloid leukemia; Gastrointestinal stromal tumor. Last evaluated: 2024-01-09. Review status: criteria provided, single submitter. Criteria: ACMG Guidelines, 2015. Collection method: clinical testing. Allele origin: germline.

Labcorp Genetics (formerly Invitae), Labcorp
Classification: Uncertain significance for Gastrointestinal stromal tumor. Last evaluated: 2022-12-07. Review status: criteria provided, single submitter. Criteria: Invitae Variant Classification Sherloc (09022015). Collection method: clinical testing. Allele origin: germline.
Comment: In summary, the available evidence is currently insufficient to determine the role of this variant in disease. Therefore, it has been classified as a Variant of Uncertain Significance. Algorithms developed to predict the effect of missense changes on protein structure and function (SIFT, PolyPhen-2, Align-GVGD) all suggest that this variant is likely to be tolerated. ClinVar contains an entry for this variant (Variation ID: 1016059). This variant has not been reported in the literature in individuals affected with KIT-related conditions. This variant is not present in population databases (gnomAD no frequency). This sequence change replaces methionine, which is neutral and non-polar, with lysine, which is basic and polar, at codon 651 of the KIT protein (p.Met651Lys).